The following is an entry in ClinVar:

NM_031443.4(CCM2):c.356del (p.Asn119fs)

Gene: CCM2 (CCM2 scaffold protein; plus strand). Cytogenetic location: 7p13.
Variant type: Deletion.
Coding change: c.356del on transcript NM_031443.4 (MANE Select); coding-DNA position 356, one base deleted (A; older notation c.356delA).
Protein change: p.Asn119fs; shifts the reading frame from asparagine 119.
Molecular consequence: frameshift variant. On other transcripts: non-coding transcript variant (1).
Genome position (GRCh38, 1-based): chr7:45,064,530, A deleted; the last of 2 consecutive A bases (chr7:45,064,529-45,064,530); deleting either gives the same sequence. VCF-style (leftmost placement, unchanged base first): chr7-45064528-CA-C. GRCh37 (hg19) VCF-style: chr7-45104127-CA-C.
Other names: c.419del, p.Asn140fs (NM_001029835.2); c.182del, p.Asn61fs (NM_001167934.2, NM_001363459.2); c.356del, p.Asn119fs (NM_001167935.2, NM_001363458.2); short protein forms N119fs, N140fs, N61fs.
Identifiers: ClinVar variation 4884396 (VCV004884396.1).

ClinVar aggregate classification (germline): Likely pathogenic (1 of 4 stars; one submission).

Conditions:
Cerebral cavernous malformation 2. Also called: Familial Cerebral Cavernous Malformation 2. Identifiers: Orphanet 221061, MedGen C1864041, MONDO:0011304, OMIM 603284.

Submission:

Division of Genetic & Genomic Pathology, Hong Kong Children's Hospital
Classification: Likely pathogenic for Cerebral cavernous malformation 2. Last evaluated: 2024-11-13. Review status: criteria provided, single submitter. Criteria: ACMG Guidelines, 2015. Collection method: clinical testing. Allele origin: germline. Affected: yes.
Comment: CCM2 c.356del p.(Asn119Thrfs*37) is a 1-bp deletion variant located in exon 4 (out of 10 exons). It creates a premature stop codon which is predicted to induce nonsense mediated decay in a gene where loss-of-function is a known disease mechanism (PMID: 14624391, 17160895). This variant is not present in the control population (gnomAD v.2.1.1 and v4.1.0), and is not reported in ClinVar or HGMD (Professional 2024.1). Multiple downstream truncating variants have been classified as pathogenic in ClinVar. For these reasons, this variant is classified as likely pathogenic.

Literature cited by the submitters: PubMed 14624391; PubMed 17160895.